The following is an entry in ClinVar:

NM_002249.6(KCNN3):c.1432G>A (p.Val478Ile)

Gene: KCNN3 (potassium calcium-activated channel subfamily N member 3; minus strand). Cytogenetic location: 1q21.3.
Variant type: single nucleotide variant.
Coding change: c.1432G>A on transcript NM_002249.6 (MANE Select); coding-DNA position 1432, G replaced by A.
Protein change: p.Val478Ile; replaces valine 478 with isoleucine.
Molecular consequence: missense variant.
Genome position (GRCh38, 1-based): chr1:154,771,991, C>T on the plus strand (G>A on the coding strand, the complement: KCNN3 is on the minus strand). VCF-style: chr1-154771991-C-T. GRCh37 (hg19) VCF-style: chr1-154744467-C-T.
Other names: c.1432G>A (NM_002249.5); c.1432G>A, p.Val478Ile (NM_001204087.2); c.493G>A, p.Val165Ile (NM_001365837.1, NM_001365838.1); c.517G>A, p.Val173Ile (NM_170782.3); short protein forms V165I, V173I, V478I.
Identifiers: ClinVar variation 2578582 (VCV002578582.27), dbSNP rs148925371, ClinGen allele CA1132083.
Genomic context (GRCh38, chr1:154,771,991, plus strand): 5'-GTCCCAGCACAGGCTCTGTACTCAGAAAGCCCCATGTGGAATACCTTTCACAGACACGGA[C>T]GGTCCAGGCAGCAATGATCCACAGAGAGATGCTGAACACGAGCAGCACAGTGCCAGGGCA-3'
Protein context (NP_002240.3, residues 468-488): ISLWIIAAWT[Val478Ile]RVCERYHDQQ

ClinVar aggregate classification (germline): Likely benign. Review status: criteria provided, multiple submitters, no conflicts (2 of 4 stars). 3 submissions from 3 submitters: Likely benign (3). Last evaluated 2025-08-10.

Conditions:
Inborn genetic diseases. Identifiers: MedGen C0950123, MeSH D030342.

Allele frequency attached by ClinVar (database versions not stated): gnomAD 0.00001; ExAC 0.00002; TOPMed 0.00002; ESP Exome Variant Server 0.00008.
gnomAD v4.1: 34 of 1,613,940 alleles (0.0021%); highest among the groups gnomAD compares: Admixed American, 0.0067%; no homozygotes.

Submissions (3):

Ambry Genetics
Classification: Likely benign for Inborn genetic diseases. Last evaluated: 2025-08-10. Review status: criteria provided, single submitter. Criteria: Ambry Variant Classification Scheme 2023. Collection method: clinical testing. Allele origin: germline.

CeGaT Center for Human Genetics Tuebingen
Classification: Likely benign. Last evaluated: 2023-07-01. Review status: criteria provided, single submitter. Criteria: CeGaT Center For Human Genetics Tuebingen Variant Classification Criteria Version 2. Collection method: clinical testing. Allele origin: germline. Affected: yes. Observed: 1 variant allele.
Comment: KCNN3: BS2

Breakthrough Genomics
Classification: Likely benign. Review status: criteria provided, single submitter. Criteria: ACMG Guidelines, 2015. Collection method: not provided. Allele origin: germline. Inheritance: Autosomal dominant inheritance. Affected: yes.